The following is an entry in ClinVar:

NM_001199267.2(DGKZ):c.512G>A (p.Arg171Gln)

Genes: DGKZ (diacylglycerol kinase zeta; plus strand), LOC126861204 (CDK7 strongly-dependent group 2 enhancer GRCh37_chr11:46390736-46391935; plus strand). Cytogenetic location: 11p11.2.
Variant type: single nucleotide variant.
Coding change: c.512G>A on transcript NM_001199267.2 (MANE Select); coding-DNA position 512, G replaced by A.
Protein change: p.Arg171Gln; replaces arginine 171 with glutamine.
Molecular consequence: missense variant. On other transcripts: intron variant (1).
Genome position (GRCh38, 1-based): chr11:46,369,954, G>A. VCF-style: chr11-46369954-G-A. GRCh37 (hg19) VCF-style: chr11-46391504-G-A.
Other names: c.527G>A, p.Arg176Gln (NM_201533.3); c.501+404G>A (NM_001199268.2); c.1079G>A, p.Arg360Gln (NM_001105540.2); c.515G>A, p.Arg172Gln (NM_001199266.2, NM_003646.4); c.563G>A, p.Arg188Gln (NM_201532.3); short protein forms R172Q, R188Q, R360Q, R176Q, R171Q.
Identifiers: ClinVar variation 2955388 (VCV002955388.3), dbSNP rs373801182, ClinGen allele CA5962480.

ClinVar aggregate classification (germline): Uncertain significance (1 of 4 stars; one submission).

Allele frequency attached by ClinVar (database versions not stated): ExAC 0.00003; gnomAD exomes 0.00003; gnomAD 0.00004; TOPMed 0.00004; ESP Exome Variant Server 0.00008.
gnomAD v4.1: 53 of 1,613,694 alleles (0.0033%); highest among the groups gnomAD compares: Admixed American, 0.013%; no homozygotes.

Submission:

Labcorp Genetics (formerly Invitae), Labcorp
Classification: Uncertain significance. Last evaluated: 2023-02-18. Review status: criteria provided, single submitter. Criteria: Invitae Variant Classification Sherloc (09022015). Collection method: clinical testing. Allele origin: germline.
Comment: In summary, the available evidence is currently insufficient to determine the role of this variant in disease. Therefore, it has been classified as a Variant of Uncertain Significance. An algorithm developed to predict the effect of missense changes on protein structure and function (PolyPhen-2) suggests that this variant is likely to be disruptive. This variant has not been reported in the literature in individuals affected with DGKZ-related conditions. This variant is present in population databases (rs373801182, gnomAD 0.02%). This sequence change replaces arginine, which is basic and polar, with glutamine, which is neutral and polar, at codon 360 of the DGKZ protein (p.Arg360Gln).